The following is an entry in ClinVar:

NM_002470.4(MYH3):c.5254G>A (p.Ala1752Thr)

Gene: MYH3 (myosin heavy chain 3; minus strand). Cytogenetic location: 17p13.1.
Variant type: single nucleotide variant.
Coding change: c.5254G>A on transcript NM_002470.4 (MANE Select); coding-DNA position 5254, G replaced by A.
Protein change: p.Ala1752Thr; replaces alanine 1752 with threonine.
Molecular consequence: missense variant.
Genome position (GRCh38, 1-based): chr17:10,631,643, C>T on the plus strand (G>A on the coding strand, the complement: MYH3 is on the minus strand). VCF-style: chr17-10631643-C-T. GRCh37 (hg19) VCF-style: chr17-10534960-C-T.
Other names: short protein forms A1752T.
Identifiers: ClinVar variation 129664 (VCV000129664.53), dbSNP rs34393601, ClinGen allele CA153805.

ClinVar aggregate classification (germline): Benign. Review status: criteria provided, multiple submitters, no conflicts (2 of 4 stars). 11 submissions from 10 submitters: Benign (8). 3 of the submissions do not count toward it. Last evaluated 2026-10-01.

Conditions:
Freeman-Sheldon syndrome (DA2A). Also called: CRANIOCARPOTARSAL DYSPLASIA; CRANIOCARPOTARSAL DYSTROPHY; Arthrogryposis, distal, type 2A (Freeman-Sheldon); WHISTLING FACE-WINDMILL VANE HAND SYNDROME. Identifiers: Orphanet 2053, MedGen C0265224, MONDO:0008675, OMIM 193700.
Distal arthrogryposis type 2B1 (DA2B1). Also called: Arthrogryposis multiplex congenita distal type II with craniofacial abnormalities. Identifiers: Orphanet 1147, MedGen C5193014, MONDO:0020820, OMIM 601680.

Allele frequency attached by ClinVar (database versions not stated): TOPMed 0.02096; 1000 Genomes Project 0.02177; 1000 Genomes Project 30x 0.02202; ESP Exome Variant Server 0.02330.

Submissions (11):

CeGaT Center for Human Genetics Tuebingen
Classification: Benign. Last evaluated: 2026-10-01. Review status: criteria provided, single submitter. Criteria: CeGaT Center For Human Genetics Tuebingen Variant Classification Criteria Version 2. Collection method: clinical testing. Allele origin: germline. Affected: yes. Observed: 15 variant alleles.
Comment: MYH3: BS1, BS2

Labcorp Genetics (formerly Invitae), Labcorp
Classification: Benign. Last evaluated: 2026-02-02. Review status: criteria provided, single submitter. Criteria: Invitae Variant Classification Sherloc (09022015). Collection method: clinical testing. Allele origin: germline.

ARUP Laboratories, Molecular Genetics and Genomics, ARUP Laboratories
Classification: Benign. Last evaluated: 2025-05-05. Review status: criteria provided, single submitter. Criteria: ARUP Molecular Germline Variant Investigation Process 2024. Collection method: clinical testing. Allele origin: germline.

GeneDx
Classification: Benign. Last evaluated: 2020-01-30. Review status: criteria provided, single submitter. Criteria: GeneDx Variant Classification Process June 2021. Collection method: clinical testing. Allele origin: germline. Affected: yes.
Comment: This variant is associated with the following publications: (PMID: 29687901, 30967136, 22519952, 32315303)

Illumina Laboratory Services, Illumina
Classification: Benign for Freeman-Sheldon syndrome. Last evaluated: 2018-01-12. Review status: criteria provided, single submitter. Criteria: ICSL Variant Classification Criteria 13 December 2019. Collection method: clinical testing. Allele origin: germline.
Comment: This variant was observed in the ICSL laboratory as part of a predisposition screen in an ostensibly healthy population. It had not been previously curated by ICSL or reported in the Human Gene Mutation Database (HGMD: prior to June 1st, 2018), and was therefore a candidate for classification through an automated scoring system. Utilizing variant allele frequency, disease prevalence and penetrance estimates, and inheritance mode, an automated score was calculated to assess if this variant is too frequent to cause the disease. Based on the score and internal cut-off values, a variant classified as benign is not then subjected to further curation. The score for this variant resulted in a classification of benign for this disease.

Illumina Laboratory Services, Illumina
Classification: Benign for Distal arthrogryposis type 2B1. Last evaluated: 2018-01-12. Review status: criteria provided, single submitter. Criteria: ICSL Variant Classification Criteria 13 December 2019. Collection method: clinical testing. Allele origin: germline.
Comment: the same text as in the submission from Illumina Laboratory Services, Illumina above.

Breakthrough Genomics
Classification: Benign. Review status: criteria provided, single submitter. Criteria: ACMG Guidelines, 2015. Collection method: not provided. Allele origin: germline. Inheritance: Autosomal recessive inheritance. Affected: yes.

PreventionGenetics, part of Exact Sciences
Classification: Benign. Review status: criteria provided, single submitter. Criteria: ACMG Guidelines, 2015. Collection method: clinical testing. Allele origin: germline.

Clinical Genetics, Academic Medical Center
Classification: Benign. Review status: no assertion criteria provided. Collection method: clinical testing. Allele origin: germline. Affected: yes. Study: VKGL Data-share Consensus. Not counted in ClinVar's aggregate classification.

Genetic Services Laboratory, University of Chicago
Classification: Likely benign for AllHighlyPenetrant. Review status: no assertion criteria provided. Collection method: clinical testing. Allele origin: germline. Inheritance: Autosomal dominant inheritance. Not counted in ClinVar's aggregate classification.
Comment: Likely benign based on allele frequency in 1000 Genomes Project or ESP global frequency and its presence in a patient with a rare or unrelated disease phenotype. NOT Sanger confirmed.

Laboratory of Diagnostic Genome Analysis, Leiden University Medical Center (LUMC)
Classification: Likely benign. Review status: no assertion criteria provided. Collection method: clinical testing. Allele origin: germline. Affected: yes. Study: VKGL Data-share Consensus. Not counted in ClinVar's aggregate classification.